The following is an entry in ClinVar:

NM_001378615.1(CC2D2A):c.2072AGG[1] (p.Glu692del)

Genes: CC2D2A (coiled-coil and C2 domain containing 2A; plus strand), FBXL5 (F-box and leucine rich repeat protein 5; minus strand). Cytogenetic location: 4p15.32.
Variant type: Microsatellite.
Coding change: c.2072AGG[1] on transcript NM_001378615.1 (MANE Select); one copy of the 3-base unit AGG starting at c.2072; the reference has two copies in a row; one copy, 3 bases deleted.
Protein change: p.Glu692del; deletes glutamic acid 692.
Molecular consequence: inframe deletion.
Genome position (GRCh38, 1-based): chr4:15,540,908-15,540,910, AGG deleted; deleting any 3 consecutive bases within chr4:15,540,905-15,540,910 gives the same sequence; the position shown is the placement nearest the transcript's 3' end. VCF-style (leftmost placement, unchanged base first): chr4-15540904-AAGG-A. GRCh37 (hg19) VCF-style: chr4-15542527-AAGG-A.
Other names: c.2072AGG[1], p.Glu692del (NM_001080522.2); c.1925AGG[1], p.Glu643del (NM_001378617.1); short protein forms E643del, E692del.
Identifiers: ClinVar variation 1426178 (VCV001426178.3), dbSNP rs1718395356, ClinGen allele CA1059637710.

ClinVar aggregate classification (germline): Uncertain significance (1 of 4 stars; one submission).

Conditions:
Joubert syndrome. Also called: JOUBERT-BOLTSHAUSER SYNDROME; Familial aplasia of the vermis. Identifiers: Orphanet 475, MedGen C5979921, MONDO:0018772.
Meckel-Gruber syndrome. Also called: DYSENCEPHALIA SPLANCHNOCYSTICA; GRUBER SYNDROME; Dysencephalia splachnocystica. Identifiers: Orphanet 564, MedGen C0265215, MONDO:0018921.

Submission:

Labcorp Genetics (formerly Invitae), Labcorp
Classification: Uncertain significance for Joubert syndrome; Meckel-Gruber syndrome. Last evaluated: 2021-11-15. Review status: criteria provided, single submitter. Criteria: Invitae Variant Classification Sherloc (09022015). Collection method: clinical testing. Allele origin: germline.
Comment: This variant, c.2075_2077del, results in the deletion of 1 amino acid(s) of the CC2D2A protein (p.Glu692del), but otherwise preserves the integrity of the reading frame. This variant is not present in population databases (gnomAD no frequency). This variant has not been reported in the literature in individuals affected with CC2D2A-related conditions. Algorithms developed to predict the effect of sequence changes on RNA splicing suggest that this variant may create or strengthen a splice site. In summary, the available evidence is currently insufficient to determine the role of this variant in disease. Therefore, it has been classified as a Variant of Uncertain Significance.